The following is an entry in ClinVar:

ClinVar aggregate classification (germline): Uncertain significance. Review status: criteria provided, multiple submitters, no conflicts (2 of 4 stars). 2 submissions from 2 submitters: Uncertain significance (2). Last evaluated 2025-01-15.

Conditions:
DOCK2 deficiency. Also called: Immunodeficiency 40. Identifiers: Orphanet 447737, MedGen C4225328, MONDO:0014637, OMIM 616433.
Inborn genetic diseases. Identifiers: MedGen C0950123, MeSH D030342.

Allele frequency attached by ClinVar (database versions not stated): gnomAD 0.00001; TOPMed 0.00002; ESP Exome Variant Server 0.00008.
gnomAD v4.1: 19 of 1,614,114 alleles (0.0012%); highest among the groups gnomAD compares: East Asian, 0.0089%; no homozygotes.

Submissions (2):

Ambry Genetics
Classification: Uncertain significance for Inborn genetic diseases. Last evaluated: 2025-01-15. Review status: criteria provided, single submitter. Criteria: Ambry Variant Classification Scheme 2023. Collection method: clinical testing. Allele origin: germline.

Labcorp Genetics (formerly Invitae), Labcorp
Classification: Uncertain significance for DOCK2 deficiency. Last evaluated: 2021-08-12. Review status: criteria provided, single submitter. Criteria: Invitae Variant Classification Sherloc (09022015). Collection method: clinical testing. Allele origin: germline.
Comment: This sequence change replaces proline with leucine at codon 1686 of the DOCK2 protein (p.Pro1686Leu). The proline residue is weakly conserved and there is a moderate physicochemical difference between proline and leucine. This variant is present in population databases (rs377714619, ExAC 0.01%). This variant has not been reported in the literature in individuals affected with DOCK2-related conditions. Algorithms developed to predict the effect of missense changes on protein structure and function output the following: SIFT: "Tolerated"; PolyPhen-2: "Benign"; Align-GVGD: "Class C0". The leucine amino acid residue is found in multiple mammalian species, which suggests that this missense change does not adversely affect protein function. In summary, the available evidence is currently insufficient to determine the role of this variant in disease. Therefore, it has been classified as a Variant of Uncertain Significance.

NM_004946.3(DOCK2):c.5057C>T (p.Pro1686Leu)

Gene: DOCK2 (dedicator of cytokinesis 2; plus strand). Cytogenetic location: 5q35.1.
Variant type: single nucleotide variant.
Coding change: c.5057C>T on transcript NM_004946.3 (MANE Select); coding-DNA position 5057, C replaced by T.
Protein change: p.Pro1686Leu; replaces proline 1686 with leucine.
Molecular consequence: missense variant. On other transcripts: non-coding transcript variant (1).
Genome position (GRCh38, 1-based): chr5:170,079,037, C>T. VCF-style: chr5-170079037-C-T. GRCh37 (hg19) VCF-style: chr5-169506041-C-T.
Other names: c.5057C>T (NM_004946.2); short protein forms P1686L.
Identifiers: ClinVar variation 1367438 (VCV001367438.7), dbSNP rs377714619, ClinGen allele CA3554755.